The following is an entry in ClinVar:

NM_000288.4(PEX7):c.134G>A (p.Cys45Tyr)

Gene: PEX7 (peroxisomal biogenesis factor 7; plus strand). Cytogenetic location: 6q23.3.
Variant type: single nucleotide variant.
Coding change: c.134G>A on transcript NM_000288.4 (MANE Select); coding-DNA position 134, G replaced by A.
Protein change: p.Cys45Tyr; replaces cysteine 45 with tyrosine.
Molecular consequence: missense variant.
Genome position (GRCh38, 1-based): chr6:136,825,217, G>A. VCF-style: chr6-136825217-G-A. GRCh37 (hg19) VCF-style: chr6-137146355-G-A.
Other names: short protein forms C45Y.
Identifiers: ClinVar variation 1419734 (VCV001419734.8), dbSNP rs2115129058, ClinGen allele CA365855581.
Genomic context (GRCh38, chr6:136,825,217, plus strand): 5'-CTTTCGATGTTACCCTGGCAGGTTCAAAGGGATGACCTTGATTTTTTTTCTCTTTAGGCT[G>A]TGGAACCCTACTAATATTGGATCCAGATGAAGCTGGGCTAAGGCTTTTTAGAAGGTAAGG-3'
Protein context (NP_000279.1, residues 35-55): ATAQHYGIAG[Cys45Tyr]GTLLILDPDE

ClinVar aggregate classification (germline): Uncertain significance (1 of 4 stars; one submission).

Conditions:
Peroxisome biogenesis disorder 9B. Also called: PEX7-Related Refsum Disease; PEROXISOME BIOGENESIS DISORDER, PEX7-RELATED, ATYPICAL; Refsum disease, adult, 2. Identifiers: Orphanet 773, MedGen C2749346, MONDO:0013945, OMIM 614879.

Allele frequency attached by ClinVar (database versions not stated): gnomAD exomes below 0.00001.
gnomAD v4.1: 5 of 1,613,574 alleles (0.00031%); highest among the groups gnomAD compares: Non-Finnish European, 0.00042%; no homozygotes.

Submission:

Labcorp Genetics (formerly Invitae), Labcorp
Classification: Uncertain significance for Peroxisome biogenesis disorder 9B. Last evaluated: 2025-01-13. Review status: criteria provided, single submitter. Criteria: Invitae Variant Classification Sherloc (09022015). Collection method: clinical testing. Allele origin: germline.
Comment: This sequence change replaces cysteine, which is neutral and slightly polar, with tyrosine, which is neutral and polar, at codon 45 of the PEX7 protein (p.Cys45Tyr). This variant is not present in population databases (gnomAD no frequency). This variant has not been reported in the literature in individuals affected with PEX7-related conditions. ClinVar contains an entry for this variant (Variation ID: 1419734). An algorithm developed to predict the effect of missense changes on protein structure and function (PolyPhen-2) suggests that this variant is likely to be tolerated. In summary, the available evidence is currently insufficient to determine the role of this variant in disease. Therefore, it has been classified as a Variant of Uncertain Significance.